The following is an entry in ClinVar:

NM_001282531.3(ADNP):c.794C>G (p.Ser265Cys)

Gene: ADNP (activity dependent neuroprotector homeobox; minus strand). Cytogenetic location: 20q13.13.
Variant type: single nucleotide variant.
Coding change: c.794C>G on transcript NM_001282531.3 (MANE Select); coding-DNA position 794, C replaced by G.
Protein change: p.Ser265Cys; replaces serine 265 with cysteine.
Molecular consequence: missense variant.
Genome position (GRCh38, 1-based): chr20:50,893,920, G>C on the plus strand (C>G on the coding strand, the complement: ADNP is on the minus strand). VCF-style: chr20-50893920-G-C. GRCh37 (hg19) VCF-style: chr20-49510457-G-C.
Other names: c.794C>G, p.Ser265Cys (NM_001282532.2, NM_001347511.2, NM_015339.5 and 1 more transcripts); short protein forms S265C.
Identifiers: ClinVar variation 3701028 (VCV003701028.2).

ClinVar aggregate classification (germline): Uncertain significance (1 of 4 stars; one submission).

gnomAD v4.1: 5 of 1,613,996 alleles (0.00031%); highest among the groups gnomAD compares: Admixed American, 0.0067%; no homozygotes.

Submission:

Labcorp Genetics (formerly Invitae), Labcorp
Classification: Uncertain significance. Last evaluated: 2024-03-25. Review status: criteria provided, single submitter. Criteria: Invitae Variant Classification Sherloc (09022015). Collection method: clinical testing. Allele origin: germline.
Comment: This sequence change replaces serine, which is neutral and polar, with cysteine, which is neutral and slightly polar, at codon 265 of the ADNP protein (p.Ser265Cys). This variant is not present in population databases (gnomAD no frequency). This variant has not been reported in the literature in individuals affected with ADNP-related conditions. An algorithm developed to predict the effect of missense changes on protein structure and function (PolyPhen-2) suggests that this variant is likely to be disruptive. In summary, the available evidence is currently insufficient to determine the role of this variant in disease. Therefore, it has been classified as a Variant of Uncertain Significance.